The following is an entry in ClinVar:

ClinVar aggregate classification (germline): Uncertain significance (1 of 4 stars; one submission).

Conditions:
Inborn genetic diseases. Identifiers: MedGen C0950123, MeSH D030342.

gnomAD v4.1: 1 of 1,613,092 alleles (0.000062%); highest among the groups gnomAD compares: African/African-American, 0.0013%; no homozygotes.

Submission:

Ambry Genetics
Classification: Uncertain significance for Inborn genetic diseases. Last evaluated: 2026-03-30. Review status: criteria provided, single submitter. Criteria: Ambry Variant Classification Scheme 2023. Collection method: clinical testing. Allele origin: germline.
Comment: The p.Q1525E variant (also known as c.4573C>G), located in coding exon 31 of the ANKRD26 gene, results from a C to G substitution at nucleotide position 4573. The glutamine at codon 1525 is replaced by glutamic acid, an amino acid with highly similar properties. This amino acid position is conserved. In addition, this alteration is predicted to be tolerated by in silico analysis. Based on the available evidence, the clinical significance of this variant remains unclear.

NM_014915.3(ANKRD26):c.4573C>G (p.Gln1525Glu)

Gene: ANKRD26 (ankyrin repeat domain 26; minus strand). Cytogenetic location: 10p12.1.
Variant type: single nucleotide variant.
Coding change: c.4573C>G on transcript NM_014915.3 (MANE Select); coding-DNA position 4573, C replaced by G.
Protein change: p.Gln1525Glu; replaces glutamine 1525 with glutamic acid.
Molecular consequence: missense variant.
Genome position (GRCh38, 1-based): chr10:27,014,645, G>C on the plus strand (C>G on the coding strand, the complement: ANKRD26 is on the minus strand). VCF-style: chr10-27014645-G-C. GRCh37 (hg19) VCF-style: chr10-27303574-G-C.
Other names: c.4570C>G, p.Gln1524Glu (NM_001256053.2); short protein forms Q1524E, Q1525E.
Identifiers: ClinVar variation 4859173 (VCV004859173.1).
Genomic context (GRCh38, chr10:27,014,645, plus strand): 5'-CTTGAGAAGTTTTTATTTTGGAGAGTTCAGATTCCAGATCTTTAATTCTGAGTTCCATCT[G>C]ACTTTTCATTGAAGCAAAATTATTCTCTCTAAACTGCTCTAAGTTTTCTTGAGATGCTGC-3'
Protein context (NP_055730.2, residues 1515-1535): RENNFASMKS[Gln1525Glu]MELRIKDLES